The following is an entry in ClinVar:

ClinVar aggregate classification (germline): Uncertain significance (1 of 4 stars; one submission).

Conditions:
Kabuki syndrome. Also called: NIIKAWA-KUROKI SYNDROME; Kabuki make-up syndrome. Identifiers: Orphanet 2322, MedGen C0796004, MONDO:0016512.

Submission:

Labcorp Genetics (formerly Invitae), Labcorp
Classification: Uncertain significance for Kabuki syndrome. Last evaluated: 2021-05-30. Review status: criteria provided, single submitter. Criteria: Invitae Variant Classification Sherloc (09022015). Collection method: clinical testing. Allele origin: germline.
Comment: In summary, the available evidence is currently insufficient to determine the role of this variant in disease. Therefore, it has been classified as a Variant of Uncertain Significance. This variant has not been reported in the literature in individuals with KMT2D-related conditions. This variant results in a copy number gain of the genomic region encompassing exon(s) 1-11 of the KMT2D gene. This region includes the initiator codon of the gene. The 5' end of this event is unknown as it extends beyond the assayed region for this gene and therefore may encompass additional genes. The 3' boundary is likely confined to intron 11 of the KMT2D gene. As the precise location of this event is unknown, it may be in tandem or it may be located elsewhere in the genome.

NC_000012.11:g.(?_49443445)_(49449107_?)dup

Gene: KMT2D (lysine methyltransferase 2D; minus strand). Cytogenetic location: 12q13.12.
Variant type: Duplication.
Identifiers: ClinVar variation 1410824 (VCV001410824.4).